The following is an entry in ClinVar:

ClinVar aggregate classification (germline): Likely pathogenic (1 of 4 stars; one submission).

Conditions:
UNC13D-related disorder. Also called: UNC13D-related condition.

Submission:

PreventionGenetics, part of Exact Sciences
Classification: Likely pathogenic for UNC13D-related condition. Last evaluated: 2026-09-02. Review status: criteria provided, single submitter. Criteria: ACMG Guidelines, 2015. Collection method: clinical testing. Allele origin: germline.
Comment: The UNC13D c.2336dupT variant is predicted to result in a frameshift and premature protein termination (p.Val781Argfs*8). To our knowledge, this variant has not been reported in the literature or in a large population database (gnomAD), indicating this variant is rare. Frameshift variants in UNC13D are expected to be pathogenic. This variant is interpreted as likely pathogenic.

NM_199242.3(UNC13D):c.2336dup (p.Val781fs)

Gene: UNC13D (unc-13 homolog D; minus strand). Cytogenetic location: 17q25.1.
Variant type: Duplication.
Coding change: c.2336dup on transcript NM_199242.3 (MANE Select); coding-DNA position 2336, one base duplicated (T; older notation c.2336dupT).
Protein change: p.Val781fs; shifts the reading frame from valine 781.
Molecular consequence: frameshift variant.
Genome position (GRCh38, 1-based): chr17:75,834,106, A duplicated on the plus strand (T on the coding strand, the reverse complement: UNC13D is on the minus strand). VCF-style (leftmost placement, unchanged base first): chr17-75834105-C-CA. GRCh37 (hg19) VCF-style: chr17-73830186-C-CA.
Other names: c.2336dupT (NM_199242.2); short protein forms V781fs.
Identifiers: ClinVar variation 4993241 (VCV004993241.1).
Genomic context (GRCh38, chr17:75,834,105, plus strand): 5'-TGAAGGCCAGCAGGCAGAAGGGCCACTTACATCCTCAGGCAGGACAGACTCCCTGACGCC[C>CA]ACCAGTTTCTGGATGTGCTTGGCGATGCCCACCTCCAACTGGAGACACAAAACGGAAGAA-3'